The following is an entry in ClinVar:

NM_004525.3(LRP2):c.11798A>G (p.Tyr3933Cys)

Gene: LRP2 (LDL receptor related protein 2; minus strand). Cytogenetic location: 2q31.1.
Variant type: single nucleotide variant.
Coding change: c.11798A>G on transcript NM_004525.3 (MANE Select); coding-DNA position 11798, A replaced by G.
Protein change: p.Tyr3933Cys; replaces tyrosine 3933 with cysteine.
Molecular consequence: missense variant.
Genome position (GRCh38, 1-based): chr2:169,162,561, T>C on the plus strand (A>G on the coding strand, the complement: LRP2 is on the minus strand). VCF-style: chr2-169162561-T-C. GRCh37 (hg19) VCF-style: chr2-170019071-T-C.
Other names: short protein forms Y3933C.
Identifiers: ClinVar variation 1334429 (VCV001334429.10), dbSNP rs1474741555, ClinGen allele CA349139937.

ClinVar aggregate classification (germline): Conflicting classifications of pathogenicity. Review status: criteria provided, conflicting classifications (1 of 4 stars). 4 submissions from 4 submitters: Likely pathogenic (2); Uncertain significance (2). Last evaluated 2025-12-22.

Conditions:
Donnai-Barrow syndrome. Also called: DBS/FOAR SYNDROME; FACIOOCULOACOUSTICORENAL SYNDROME. Identifiers: Orphanet 2143, MedGen C1857277, MONDO:0009104, OMIM 222448.
Hearing impairment. Also called: Impaired Hearing. Identifiers: MedGen C1384666, MONDO:0005365, HP:0000365.

Allele frequency attached by ClinVar (database versions not stated): TOPMed below 0.00001; gnomAD exomes 0.00001.

Submissions (4):

Otogenetics
Classification: Likely pathogenic for Donnai-Barrow syndrome. Last evaluated: 2025-12-22. Review status: criteria provided, single submitter. Criteria: ACMG Guidelines, 2015. Collection method: clinical testing. Allele origin: germline.
Comment: PM2: Maximum gnomAD MAF of 0.0018% in European-Non Finnish (NFE) subpopulation (<0.05% threshold); PM3_Strong: Variant reported in trans with one pathogenic variant in two individuals affected with Donnai-Barrow syndrome, phase confirmed by parental testing (PMID: 36807241) PP3: In-silico models predict deleterious effect (Revel = 0.72); PP4: Variant reported in patient with highly specific phenotype for disease fitting (PMID: 36807241)

Labcorp Genetics (formerly Invitae), Labcorp
Classification: Uncertain significance. Last evaluated: 2022-08-15. Review status: criteria provided, single submitter. Criteria: Invitae Variant Classification Sherloc (09022015). Collection method: clinical testing. Allele origin: germline.
Comment: This sequence change replaces tyrosine, which is neutral and polar, with cysteine, which is neutral and slightly polar, at codon 3933 of the LRP2 protein (p.Tyr3933Cys). This variant is present in population databases (no rsID available, gnomAD 0.0009%). This variant has not been reported in the literature in individuals affected with LRP2-related conditions. ClinVar contains an entry for this variant (Variation ID: 1334429). Algorithms developed to predict the effect of missense changes on protein structure and function (SIFT, PolyPhen-2, Align-GVGD) all suggest that this variant is likely to be disruptive. Algorithms developed to predict the effect of sequence changes on RNA splicing suggest that this variant may create or strengthen a splice site. In summary, the available evidence is currently insufficient to determine the role of this variant in disease. Therefore, it has been classified as a Variant of Uncertain Significance.

National Institute on Deafness and Communication Disorders, National Institutes of Health
Classification: Likely pathogenic for Hearing impairment. Last evaluated: 2022-06-15. Review status: criteria provided, single submitter. Criteria: ClinGen HL ACMG Specifications v1. Collection method: research. Allele origin: germline. Inheritance: Autosomal recessive inheritance. Affected: yes. Observed: 1 compound heterozygote.
Comment: c.11798 A>G, p.(Tyr3933Cys) was observed in a two affected females with hearing loss and retinal dystrophy. This was seen as a compound heterozygote with another splice site variant in the family. PM2, PM3, PP3, PP4

GeneDx
Classification: Uncertain significance. Last evaluated: 2022-01-12. Review status: criteria provided, single submitter. Criteria: GeneDx Variant Classification Process June 2021. Collection method: clinical testing. Allele origin: germline. Affected: yes.
Comment: Not observed at significant frequency in large population cohorts (gnomAD); In silico analysis supports that this missense variant has a deleterious effect on protein structure/function; Has not been previously published as pathogenic or benign to our knowledge

Literature cited by the submitters: PubMed 36807241 (cited by Otogenetics); NCBI Bookshelf 1878 (cited by National Institute on Deafness and Communication Disorders, National Institutes of Health).